The following is an entry in ClinVar:

ClinVar aggregate classification (germline): Likely benign (0 of 4 stars; one submission).

Conditions:
ITSN1-related disorder. Also called: ITSN1-related condition.

Allele frequency attached by ClinVar (database versions not stated): gnomAD exomes 0.00006; ExAC 0.00024; gnomAD 0.00052; TOPMed 0.00069; ESP Exome Variant Server 0.00100; 1000 Genomes Project 0.00140; 1000 Genomes Project 30x 0.00172.
gnomAD v4.1: 168 of 1,605,022 alleles (0.01%); highest among the groups gnomAD compares: African/African-American, 0.16%; no homozygotes.

Submission:

PreventionGenetics, part of Exact Sciences
Classification: Likely benign for ITSN1-related condition. Last evaluated: 2022-12-19. Review status: no assertion criteria provided. Collection method: clinical testing. Allele origin: germline.
Comment: This variant is classified as likely benign based on ACMG/AMP sequence variant interpretation guidelines (Richards et al. 2015 PMID: 25741868, with internal and published modifications).

NM_003024.3(ITSN1):c.1701A>G (p.Thr567=)

Gene: ITSN1 (intersectin 1; plus strand). Cytogenetic location: 21q22.11.
Variant type: single nucleotide variant.
Coding change: c.1701A>G on transcript NM_003024.3 (MANE Select); coding-DNA position 1701, A replaced by G.
Protein change: p.Thr567=; no amino-acid change (threonine 567 retained).
Molecular consequence: synonymous variant.
Genome position (GRCh38, 1-based): chr21:33,782,010, A>G. VCF-style: chr21-33782010-A-G. GRCh37 (hg19) VCF-style: chr21-35154314-A-G.
Other names: c.1701A>G, p.Thr567= (NM_001001132.2, NM_001331008.2, NM_001331009.2 and 2 more transcripts); c.1590A>G, p.Thr530= (NM_001331012.2).
Identifiers: ClinVar variation 3042735 (VCV003042735.2), dbSNP rs143998140, ClinGen allele CA10011657.